The following is an entry in ClinVar:

ClinVar aggregate classification (germline): Conflicting classifications of pathogenicity. Review status: criteria provided, conflicting classifications (1 of 4 stars). 4 submissions from 4 submitters: Uncertain significance (3); Likely benign (1). Last evaluated 2022-12-02.

Conditions:
Cardiovascular phenotype. Identifiers: MedGen CN230736.
Brittle cornea syndrome 1 (BCS1). Also called: CORNEAL FRAGILITY, KERATOGLOBUS, BLUE SCLERAE, JOINT HYPEREXTENSIBILITY; EDS6B; FRAGILITAS OCULI WITH JOINT HYPEREXTENSIBILITY; DYSGENESIS MESODERMALIS CORNEAE ET SCLERAE; Corneal fragility keratoglobus, blue sclerae AND joint hypermobility. Identifiers: Orphanet 90354, MedGen C0268344, MONDO:0024543, OMIM 229200.

Allele frequency attached by ClinVar (database versions not stated): gnomAD exomes 0.00007 and 0.00015; 1000 Genomes Project 30x 0.00016; 1000 Genomes Project 0.00020; gnomAD 0.00027 and 0.00029; ExAC 0.00030; TOPMed 0.00033.
gnomAD v4.1: 138 of 1,548,940 alleles (0.0089%); highest among the groups gnomAD compares: African/African-American, 0.11%; no homozygotes.

Submissions (4):

Ambry Genetics
Classification: Likely benign for Cardiovascular phenotype. Last evaluated: 2022-12-02. Review status: criteria provided, single submitter. Criteria: Ambry Variant Classification Scheme 2023. Collection method: clinical testing. Allele origin: germline.

Labcorp Genetics (formerly Invitae), Labcorp
Classification: Uncertain significance. Last evaluated: 2022-06-25. Review status: criteria provided, single submitter. Criteria: Invitae Variant Classification Sherloc (09022015). Collection method: clinical testing. Allele origin: germline.
Comment: This sequence change replaces arginine, which is basic and polar, with cysteine, which is neutral and slightly polar, at codon 2853 of the ZNF469 protein (p.Arg2853Cys). This variant is present in population databases (rs529243785, gnomAD 0.1%). This variant has not been reported in the literature in individuals affected with ZNF469-related conditions. ClinVar contains an entry for this variant (Variation ID: 1211038). Algorithms developed to predict the effect of missense changes on protein structure and function output the following: SIFT: "Deleterious"; PolyPhen-2: "Possibly Damaging"; Align-GVGD: "Class C0". The cysteine amino acid residue is found in multiple mammalian species, which suggests that this missense change does not adversely affect protein function. In summary, the available evidence is currently insufficient to determine the role of this variant in disease. Therefore, it has been classified as a Variant of Uncertain Significance.

Blueprint Genetics
Classification: Uncertain significance. Last evaluated: 2022-01-17. Review status: criteria provided, single submitter. Criteria: ACMG Guidelines, 2015. Collection method: clinical testing. Allele origin: germline.

GeneDx
Classification: Uncertain significance. Last evaluated: 2020-10-22. Review status: criteria provided, single submitter. Criteria: GeneDx Variant Classification Process June 2021. Collection method: clinical testing. Allele origin: germline. Affected: yes.
Comment: In silico analysis supports that this missense variant has a deleterious effect on protein structure/function; Has not been previously published as pathogenic or benign to our knowledge

NM_001367624.2(ZNF469):c.8641C>T (p.Arg2881Cys)

Gene: ZNF469 (zinc finger protein 469; plus strand). Cytogenetic location: 16q24.2.
Variant type: single nucleotide variant.
Coding change: c.8641C>T on transcript NM_001367624.2 (MANE Select); coding-DNA position 8641, C replaced by T.
Protein change: p.Arg2881Cys; replaces arginine 2881 with cysteine.
Molecular consequence: missense variant.
Genome position (GRCh38, 1-based): chr16:88,436,111, C>T. VCF-style: chr16-88436111-C-T. GRCh37 (hg19) VCF-style: chr16-88502519-C-T.
Other names: NM_001127464.1:c.8557C>T; NM_001127464.2:c.8557C>T; short protein forms R2881C.
Identifiers: ClinVar variation 1211038 (VCV001211038.8), dbSNP rs529243785, ClinGen allele CA8225350.